The following is an entry in ClinVar:

ClinVar aggregate classification (germline): Uncertain significance. Review status: criteria provided, multiple submitters, no conflicts (2 of 4 stars). 2 submissions from 2 submitters: Uncertain significance (2). Last evaluated 2025-11-22.

Conditions:
Hereditary cancer-predisposing syndrome. Also called: Tumor predisposition; Hereditary neoplastic syndrome; Neoplastic Syndromes, Hereditary; Hereditary Cancer Syndrome. Identifiers: Orphanet 140162, MedGen C0027672, MeSH D009386, MONDO:0015356.
Ataxia-telangiectasia syndrome (AT). Also called: Ataxia-telangiectasia, complementation group E; Cerebello-oculocutaneous telangiectasia; Immunodeficiency with ataxia telangiectasia; ATAXIA-TELANGIECTASIA, COMPLEMENTATION GROUP A; ATAXIA-TELANGIECTASIA, FRESNO VARIANT; Ataxia-telangiectasia, complementation group D. Identifiers: Orphanet 100, MedGen C0004135, MONDO:0008840, OMIM 208900.

Submissions (2):

Labcorp Genetics (formerly Invitae), Labcorp
Classification: Uncertain significance for Ataxia-telangiectasia syndrome. Last evaluated: 2025-11-22. Review status: criteria provided, single submitter. Criteria: Invitae Variant Classification Sherloc (09022015). Collection method: clinical testing. Allele origin: germline.
Comment: This sequence change replaces serine, which is neutral and polar, with phenylalanine, which is neutral and non-polar, at codon 1655 of the ATM protein (p.Ser1655Phe). This variant is not present in population databases (gnomAD no frequency). This variant has not been reported in the literature in individuals affected with ATM-related conditions. ClinVar contains an entry for this variant (Variation ID: 1522653). Invitae Evidence Modeling of protein sequence and biophysical properties (such as structural, functional, and spatial information, amino acid conservation, physicochemical variation, residue mobility, and thermodynamic stability) indicates that this missense variant is not expected to disrupt ATM protein function with a negative predictive value of 95%. In summary, the available evidence is currently insufficient to determine the role of this variant in disease. Therefore, it has been classified as a Variant of Uncertain Significance.

Ambry Genetics
Classification: Uncertain significance for Hereditary cancer-predisposing syndrome. Last evaluated: 2025-05-30. Review status: criteria provided, single submitter. Criteria: Ambry Variant Classification Scheme 2023. Collection method: clinical testing. Allele origin: germline.
Comment: The p.S1655F variant (also known as c.4964C>T), located in coding exon 32 of the ATM gene, results from a C to T substitution at nucleotide position 4964. The serine at codon 1655 is replaced by phenylalanine, an amino acid with highly dissimilar properties. This amino acid position is well conserved in available vertebrate species. In addition, the in silico prediction for this alteration is inconclusive. Based on the available evidence, the clinical significance of this variant remains unclear.

NM_000051.4(ATM):c.4964C>T (p.Ser1655Phe)

Gene: ATM (ATM serine/threonine kinase; plus strand). Cytogenetic location: 11q22.3.
Variant type: single nucleotide variant.
Coding change: c.4964C>T on transcript NM_000051.4 (MANE Select); coding-DNA position 4964, C replaced by T.
Protein change: p.Ser1655Phe; replaces serine 1655 with phenylalanine.
Molecular consequence: missense variant.
Genome position (GRCh38, 1-based): chr11:108,297,341, C>T. VCF-style: chr11-108297341-C-T. GRCh37 (hg19) VCF-style: chr11-108168068-C-T.
Other names: c.4964C>T (NM_000051.3); c.4964C>T, p.Ser1655Phe (NM_001351834.2); short protein forms S1655F.
Identifiers: ClinVar variation 1522653 (VCV001522653.9), dbSNP rs786201215, ClinGen allele CA382538354.